The following is an entry in ClinVar:

NM_005173.4(ATP2A3):c.1302T>C (p.Tyr434=)

Gene: ATP2A3 (ATPase sarcoplasmic/endoplasmic reticulum Ca2+ transporting 3; minus strand). Cytogenetic location: 17p13.2.
Variant type: single nucleotide variant.
Coding change: c.1302T>C on transcript NM_005173.4 (MANE Select); coding-DNA position 1302, T replaced by C.
Protein change: p.Tyr434=; no amino-acid change (tyrosine 434 retained).
Molecular consequence: synonymous variant.
Genome position (GRCh38, 1-based): chr17:3,943,508, A>G on the plus strand (T>C on the coding strand, the complement: ATP2A3 is on the minus strand). VCF-style: chr17-3943508-A-G. GRCh37 (hg19) VCF-style: chr17-3846802-A-G.
Other names: c.1302T>C, p.Tyr434= (NM_174953.3, NM_174954.3, NM_174955.3 and 3 more transcripts).
Identifiers: ClinVar variation 3059760 (VCV003059760.2), dbSNP rs758641, ClinGen allele CA8297246.

ClinVar aggregate classification (germline): Benign (0 of 4 stars; one submission).

Conditions:
ATP2A3-related disorder. Also called: ATP2A3-related condition.

Allele frequency attached by ClinVar (database versions not stated): 1000 Genomes Project 0.33327; 1000 Genomes Project 30x 0.34041; ExAC 0.40149; gnomAD 0.40877; TOPMed 0.41654; ESP Exome Variant Server 0.43911.
gnomAD v4.1: 682,666 of 1,613,542 alleles (42%); highest among the groups gnomAD compares: Middle Eastern, 50%; 149,383 homozygotes.

Submission:

PreventionGenetics, part of Exact Sciences
Classification: Benign for ATP2A3-related condition. Last evaluated: 2019-10-17. Review status: no assertion criteria provided. Collection method: clinical testing. Allele origin: germline.
Comment: This variant is classified as benign based on ACMG/AMP sequence variant interpretation guidelines (Richards et al. 2015 PMID: 25741868, with internal and published modifications).